The following is an entry in ClinVar:

ClinVar aggregate classification (germline): Pathogenic (1 of 4 stars; one submission).

Submission:

Labcorp Genetics (formerly Invitae), Labcorp
Classification: Pathogenic. Last evaluated: 2025-07-23. Review status: criteria provided, single submitter. Criteria: Invitae Variant Classification Sherloc (09022015). Collection method: clinical testing. Allele origin: germline.
Comment: This sequence change creates a premature translational stop signal (p.Asp154Metfs*28) in the TSPEAR gene. It is expected to result in an absent or disrupted protein product. Loss-of-function variants in TSPEAR are known to be pathogenic (PMID: 34042254). This variant is present in population databases (rs782666687, gnomAD 0.0009%). This variant has not been reported in the literature in individuals affected with TSPEAR-related conditions. ClinVar contains an entry for this variant (Variation ID: 3616558). For these reasons, this variant has been classified as Pathogenic.

Literature cited by the submitters: PubMed 34042254.

NM_144991.3(TSPEAR):c.460del (p.Asp154fs)

Gene: TSPEAR (thrombospondin type laminin G domain and EAR repeats; minus strand). Cytogenetic location: 21q22.3.
Variant type: Deletion.
Coding change: c.460del on transcript NM_144991.3 (MANE Select); coding-DNA position 460, one base deleted (G; older notation c.460delG).
Protein change: p.Asp154fs; shifts the reading frame from aspartic acid 154.
Molecular consequence: frameshift variant.
Genome position (GRCh38, 1-based): chr21:44,533,767, C deleted on the plus strand (G on the coding strand, the reverse complement: TSPEAR is on the minus strand); the first of 2 consecutive C bases (chr21:44,533,767-44,533,768); deleting either gives the same sequence. VCF-style (leftmost placement, unchanged base first): chr21-44533766-TC-T. GRCh37 (hg19) VCF-style: chr21-45953649-TC-T.
Other names: c.256del, p.Asp86fs (NM_001272037.2); short protein forms D154fs, D86fs.
Identifiers: ClinVar variation 3616558 (VCV003616558.2).